The following is an entry in ClinVar:

NM_199420.4(POLQ):c.7165A>G (p.Ile2389Val)

Gene: POLQ (DNA polymerase theta; minus strand). Cytogenetic location: 3q13.33.
Variant type: single nucleotide variant.
Coding change: c.7165A>G on transcript NM_199420.4 (MANE Select); coding-DNA position 7165, A replaced by G.
Protein change: p.Ile2389Val; replaces isoleucine 2389 with valine.
Molecular consequence: missense variant.
Genome position (GRCh38, 1-based): chr3:121,449,414, T>C on the plus strand (A>G on the coding strand, the complement: POLQ is on the minus strand). VCF-style: chr3-121449414-T-C. GRCh37 (hg19) VCF-style: chr3-121168261-T-C.
Other names: short protein forms I2389V.
Identifiers: ClinVar variation 1757453 (VCV001757453.2), dbSNP rs765046525, ClinGen allele CA2562253.

ClinVar aggregate classification (germline): Uncertain significance (1 of 4 stars; one submission).

Allele frequency attached by ClinVar (database versions not stated): gnomAD exomes below 0.00001; TOPMed below 0.00001; ExAC 0.00001.
gnomAD v4.1: 2 of 1,572,988 alleles (0.00013%); highest among the groups gnomAD compares: African/African-American, 0.0013%; no homozygotes.

Submission:

Ambry Genetics
Classification: Uncertain significance. Last evaluated: 2023-10-01. Review status: criteria provided, single submitter. Criteria: Ambry Variant Classification Scheme 2023. Collection method: clinical testing. Allele origin: germline.
Comment: The p.I2389V variant (also known as c.7165A>G), located in coding exon 26 of the POLQ gene, results from an A to G substitution at nucleotide position 7165. The isoleucine at codon 2389 is replaced by valine, an amino acid with highly similar properties. This amino acid position is conserved. In addition, the in silico prediction for this alteration is inconclusive. Since supporting evidence is limited at this time, the clinical significance of this alteration remains unclear.